The following is an entry in ClinVar:

ClinVar aggregate classification (germline): Benign/Likely benign. Review status: criteria provided, multiple submitters, no conflicts (2 of 4 stars). 15 submissions from 15 submitters: Benign (11); Likely benign (1). 3 of the submissions do not count toward it. Last evaluated 2026-06-23.

Conditions:
Germ cell tumor of testis (TGCT). Also called: Testicular germ cell tumor; GERM CELL TUMOR, SOMATIC. Identifiers: Orphanet 363504, MedGen C1336708, MONDO:0010108, OMIM 273300.
Severe achondroplasia-developmental delay-acanthosis nigricans syndrome. Also called: Severe achondroplasia with developmental delay and acanthosis nigricans; SADDAN dysplasia. Identifiers: Orphanet 85165, MedGen C2674173, MONDO:0014658, OMIM 616482.
Colorectal cancer. Also called: Colorectal cancer, somatic; Malignant Colorectal Neoplasm. Identifiers: MedGen C0346629, MONDO:0005575, OMIM 114500.
Hypochondroplasia (HCH). Identifiers: Orphanet 429, MedGen C0410529, MONDO:0007793, OMIM 146000. Disease mechanism: gain of function.
Thanatophoric dysplasia type 1 (TD1). Also called: Thanatophoric Dysplasia Type 1 (TD Type 1); PLATYSPONDYLIC LETHAL SKELETAL DYSPLASIA, SAN DIEGO TYPE; LETHAL SHORT-LIMBED PLATYSPONDYLIC DWARFISM, SAN DIEGO TYPE. Identifiers: Orphanet 1860, Orphanet 2655, MedGen C1868678, MONDO:0008546, OMIM 187600. Disease mechanism: gain of function.
Thanatophoric dysplasia, type 2 (TD2). Also called: Thanatophoric Dysplasia Type 2 (TD Type 2); CLOVERLEAF SKULL WITH THANATOPHORIC DWARFISM; THANATOPHORIC DYSPLASIA WITH KLEEBLATTSCHAEDEL; THANATOPHORIC DYSPLASIA WITH STRAIGHT FEMURS AND CLOVERLEAF SKULL. Identifiers: Orphanet 2655, Orphanet 93274, MedGen C1300257, MONDO:0008547, OMIM 187601. Disease mechanism: gain of function.
Cervical cancer. Also called: Cancer of cervix; Cervix cancer; Cervical cancer, somatic. Identifiers: MedGen C4048328, MONDO:0002974, OMIM 603956, HP:0030079.
Camptodactyly-tall stature-scoliosis-hearing loss syndrome. Also called: CATSHL SYNDROME. Identifiers: Orphanet 85164, MedGen C1864852, MONDO:0012504, OMIM 610474.
Epidermal nevus. Also called: NEVUS, KERATINOCYTIC, NONEPIDERMOLYTIC; Nevus, epidermal, somatic. Identifiers: Orphanet 79414, MedGen C0334082, MONDO:0008093, OMIM 162900, HP:0010816.
Muenke syndrome (MNKES). Also called: MUENKE NONSYNDROMIC CORONAL CRANIOSYNOSTOSIS. Identifiers: Orphanet 53271, MedGen C1864436, MONDO:0011274, OMIM 602849.
Crouzon syndrome-acanthosis nigricans syndrome. Also called: CROUZONODERMOSKELETAL SYNDROME. Identifiers: Orphanet 93262, MedGen C2677099, MONDO:0012833, OMIM 612247.
Malignant tumor of urinary bladder. Also called: Bladder cancer; Urinary bladder cancer; Urinary Bladder Neoplasms. Identifiers: MedGen C0005684, MONDO:0001187, OMIM 109800.
Levy-Hollister syndrome (LADD). Also called: LADD syndrome. Identifiers: Orphanet 2363, MedGen C0265269, MONDO:0007872.
Achondroplasia (ACH). Also called: Achondroplastic dwarfism. Identifiers: Orphanet 15, MedGen C0001080, MONDO:0007037, OMIM 100800. Disease mechanism: gain of function.
FGFR3-related chondrodysplasia. Identifiers: Orphanet 93420, MedGen C5681604, MONDO:0019685.
Connective tissue disorder. Also called: Connective tissue disease. Identifiers: MedGen C0009782, MONDO:0003900.

Allele frequency attached by ClinVar (database versions not stated): gnomAD exomes 0.01204; ESP Exome Variant Server 0.01497; gnomAD 0.01724 and 0.01752; TOPMed 0.01883; 1000 Genomes Project 0.02216; ExAC 0.02237; 1000 Genomes Project 30x 0.02311.
gnomAD v4.1: 13,132 of 1,567,756 alleles (0.84%); highest among the groups gnomAD compares: African/African-American, 4%; 169 homozygotes.

Submissions (15):

Genomenon, Inc
Classification: Benign for FGFR3-related chondrodysplasia. Last evaluated: 2026-06-23. Review status: criteria provided, single submitter. Criteria: Genomenon Sequence Variant Interpretation Standards - Updated. Collection method: curation. Allele origin: germline. Affected: no.
Comment: FGFR3 p.Arg116= (c.348C>T) is a synonymous variant that retains Arginine at codon 116. This variant is present at high allele frequency in population databases. We classify FGFR3 p.Arg116= (c.348C>T) as a benign variant.

Women's Health and Genetics/Laboratory Corporation of America, LabCorp
Classification: Benign. Last evaluated: 2026-05-11. Review status: criteria provided, single submitter. Criteria: LabCorp Variant Classification Summary - May 2015. Collection method: clinical testing. Allele origin: germline.

Labcorp Genetics (formerly Invitae), Labcorp
Classification: Benign. Last evaluated: 2026-02-02. Review status: criteria provided, single submitter. Criteria: Invitae Variant Classification Sherloc (09022015). Collection method: clinical testing. Allele origin: germline.

ARUP Laboratories, Molecular Genetics and Genomics, ARUP Laboratories
Classification: Benign. Last evaluated: 2025-07-02. Review status: criteria provided, single submitter. Criteria: ARUP Molecular Germline Variant Investigation Process 2024. Collection method: clinical testing. Allele origin: germline.

Mayo Clinic Laboratories, Mayo Clinic
Classification: Benign. Last evaluated: 2025-04-29. Review status: criteria provided, single submitter. Criteria: ACMG Guidelines, 2015. Collection method: clinical testing. Allele origin: germline. Observed: 6 variant alleles.
Comment: BA1, BS2, BP4, BP7

Blueprint Genetics
Classification: Benign. Last evaluated: 2024-11-26. Review status: criteria provided, single submitter. Criteria: ACMG Guidelines, 2015. Collection method: clinical testing. Allele origin: germline.

Genome Diagnostics Laboratory, The Hospital for Sick Children
Classification: Benign for Connective tissue disorder. Last evaluated: 2021-12-06. Review status: criteria provided, single submitter. Criteria: ACMG Guidelines, 2015. Collection method: clinical testing. Allele origin: germline.

Fulgent Genetics
Classification: Likely benign for Achondroplasia; Malignant tumor of urinary bladder; Colorectal cancer; Hypochondroplasia; LADD syndrome 1; Epidermal nevus; Thanatophoric dysplasia type 1; Thanatophoric dysplasia, type 2; Germ cell tumor of testis; Muenke syndrome; Cervical cancer; Camptodactyly-tall stature-scoliosis-hearing loss syndrome; Crouzon syndrome-acanthosis nigricans syndrome; Severe achondroplasia-developmental delay-acanthosis nigricans syndrome. Last evaluated: 2021-12-01. Review status: criteria provided, single submitter. Criteria: ACMG Guidelines, 2015. Collection method: clinical testing. Allele origin: unknown.

GeneDx
Classification: Benign. Last evaluated: 2016-09-21. Review status: criteria provided, single submitter. Criteria: GeneDx Variant Classification (06012015). Collection method: clinical testing. Allele origin: germline. Affected: yes.
Comment: This variant is considered likely benign or benign based on one or more of the following criteria: it is a conservative change, it occurs at a poorly conserved position in the protein, it is predicted to be benign by multiple in silico algorithms, and/or has population frequency not consistent with disease.

Eurofins Ntd Llc (ga)
Classification: Benign. Last evaluated: 2015-04-09. Review status: criteria provided, single submitter. Criteria: EGL Classification Definitions 2015. Collection method: clinical testing. Allele origin: germline. Observed: 2 variant alleles, 2 heterozygotes.

Breakthrough Genomics
Classification: Benign. Review status: criteria provided, single submitter. Criteria: ACMG Guidelines, 2015. Collection method: not provided. Allele origin: germline. Inheritance: Autosomal dominant inheritance. Affected: yes.

PreventionGenetics, part of Exact Sciences
Classification: Benign. Review status: criteria provided, single submitter. Criteria: ACMG Guidelines, 2015. Collection method: clinical testing. Allele origin: germline.

Clinical Genetics DNA and cytogenetics Diagnostics Lab, Erasmus MC, Erasmus Medical Center
Classification: Benign. Review status: no assertion criteria provided. Collection method: clinical testing. Allele origin: germline. Affected: yes. Study: VKGL Data-share Consensus. Not counted in ClinVar's aggregate classification.

Genome Diagnostics Laboratory, Amsterdam University Medical Center
Classification: Benign. Review status: no assertion criteria provided. Collection method: clinical testing. Allele origin: germline. Affected: yes. Study: VKGL Data-share Consensus. Not counted in ClinVar's aggregate classification.

Laboratory of Diagnostic Genome Analysis, Leiden University Medical Center (LUMC)
Classification: Likely benign. Review status: no assertion criteria provided. Collection method: clinical testing. Allele origin: germline. Affected: yes. Study: VKGL Data-share Consensus. Not counted in ClinVar's aggregate classification.

NM_000142.5(FGFR3):c.348C>T (p.Arg116=)

Gene: FGFR3 (fibroblast growth factor receptor 3; plus strand). Cytogenetic location: 4p16.3.
Variant type: single nucleotide variant.
Coding change: c.348C>T on transcript NM_000142.5 (MANE Select); coding-DNA position 348, C replaced by T.
Protein change: p.Arg116=; no amino-acid change (arginine 116 retained).
Molecular consequence: synonymous variant. On other transcripts: non-coding transcript variant (1).
Genome position (GRCh38, 1-based): chr4:1,799,492, C>T. VCF-style: chr4-1799492-C-T. GRCh37 (hg19) VCF-style: chr4-1801219-C-T.
Other names: p.Arg116=; c.348C>T, p.Arg116= (NM_001163213.2, NM_001354809.2, NM_001354810.2 and 1 more transcripts).
Identifiers: ClinVar variation 196220 (VCV000196220.40), dbSNP rs2305179, ClinGen allele CA202219.
Genomic context (GRCh38, chr4:1,799,492, plus strand): 5'-GCTGAATGCCTCCCACGAGGACTCCGGGGCCTACAGCTGCCGGCAGCGGCTCACGCAGCG[C>T]GTACTGTGCCACTTCAGTGTGCGGGTGACAGGTGAGCTCTGGGGCCACGCCAGCTACAGA-3'
Protein context (NP_000133.1, residues 106-126): AYSCRQRLTQ[Arg116=]VLCHFSVRVT